The following is an entry in ClinVar:

NM_001369.3(DNAH5):c.7288G>T (p.Glu2430Ter)

Gene: DNAH5 (dynein axonemal heavy chain 5; minus strand). Cytogenetic location: 5p15.2.
Variant type: single nucleotide variant.
Coding change: c.7288G>T on transcript NM_001369.3 (MANE Select); coding-DNA position 7288, G replaced by T.
Protein change: p.Glu2430Ter; replaces glutamic acid 2430 with a stop codon.
Molecular consequence: nonsense.
Genome position (GRCh38, 1-based): chr5:13,811,766, C>A on the plus strand (G>T on the coding strand, the complement: DNAH5 is on the minus strand). VCF-style: chr5-13811766-C-A. GRCh37 (hg19) VCF-style: chr5-13811875-C-A.
Other names: short protein forms E2430*.
Identifiers: ClinVar variation 1439187 (VCV001439187.6), dbSNP rs575491117, ClinGen allele CA359189471.

ClinVar aggregate classification (germline): Pathogenic (1 of 4 stars; one submission).

Conditions:
Primary ciliary dyskinesia. Also called: Ciliary dyskinesia. Identifiers: Orphanet 244, MedGen C0008780, MONDO:0016575, HP:0012265.

Submission:

Labcorp Genetics (formerly Invitae), Labcorp
Classification: Pathogenic for Primary ciliary dyskinesia. Last evaluated: 2022-02-04. Review status: criteria provided, single submitter. Criteria: Invitae Variant Classification Sherloc (09022015). Collection method: clinical testing. Allele origin: germline.
Comment: For these reasons, this variant has been classified as Pathogenic. This variant has not been reported in the literature in individuals affected with DNAH5-related conditions. This variant is not present in population databases (gnomAD no frequency). This sequence change creates a premature translational stop signal (p.Glu2430*) in the DNAH5 gene. It is expected to result in an absent or disrupted protein product. Loss-of-function variants in DNAH5 are known to be pathogenic (PMID: 11788826, 16627867).

Literature cited by the submitters: PubMed 11788826; PubMed 16627867.